The following is an entry in ClinVar:

NM_001394998.1(TANC2):c.6076T>G (p.Ser2026Ala)

Gene: TANC2 (tetratricopeptide repeat, ankyrin repeat and coiled-coil containing 2; plus strand). Cytogenetic location: 17q23.3.
Variant type: single nucleotide variant.
Coding change: c.6076T>G on transcript NM_001394998.1 (MANE Select); coding-DNA position 6076, T replaced by G.
Protein change: p.Ser2026Ala; replaces serine 2026 with alanine.
Molecular consequence: missense variant.
Genome position (GRCh38, 1-based): chr17:63,421,806, T>G. VCF-style: chr17-63421806-T-G. GRCh37 (hg19) VCF-style: chr17-61499167-T-G.
Other names: c.5854T>G, p.Ser1952Ala (NM_001411076.1); c.5824T>G, p.Ser1942Ala (NM_025185.4); c.5824T>G (NM_025185.3); short protein forms S1942A, S1952A, S2026A.
Identifiers: ClinVar variation 3025241 (VCV003025241.24), dbSNP rs373945647, ClinGen allele CA8698562.
Genomic context (GRCh38, chr17:63,421,806, plus strand): 5'-CCCCATGGGATGCTGGCTAACGGGTCTCGTGGAGACCTCTTGGAGCGAGTCAGCCAGGCC[T>G]CCTCCTATCCCGACGTGAAGGTAGCTCGGACTCTACCTGTGGCTCAGGCATACCAGGACA-3'
Protein context (NP_001381927.1, residues 2016-2036): GDLLERVSQA[Ser2026Ala]SYPDVKVART

ClinVar aggregate classification (germline): Conflicting classifications of pathogenicity. Review status: criteria provided, conflicting classifications (1 of 4 stars). 3 submissions from 3 submitters: Uncertain significance (1); Likely benign (2). Last evaluated 2024-01-19.

Conditions:
Intellectual developmental disorder with autistic features and language delay, with or without seizures. Identifiers: MedGen C5394447, MONDO:0030051, OMIM 618906.
Inborn genetic diseases. Identifiers: MedGen C0950123, MeSH D030342.

Allele frequency attached by ClinVar (database versions not stated): ESP Exome Variant Server 0.00008; gnomAD exomes 0.00013; TOPMed 0.00014; gnomAD 0.00015; ExAC 0.00021.
gnomAD v4.1: 229 of 1,613,872 alleles (0.014%); highest among the groups gnomAD compares: Admixed American, 0.005%; 1 homozygote.

Submissions (3):

Fulgent Genetics
Classification: Uncertain significance for Intellectual developmental disorder with autistic features and language delay, with or without seizures. Last evaluated: 2024-01-19. Review status: criteria provided, single submitter. Criteria: ACMG Guidelines, 2015. Collection method: clinical testing. Allele origin: germline.

CeGaT Center for Human Genetics Tuebingen
Classification: Likely benign. Last evaluated: 2024-01-01. Review status: criteria provided, single submitter. Criteria: CeGaT Center For Human Genetics Tuebingen Variant Classification Criteria Version 2. Collection method: clinical testing. Allele origin: germline. Affected: yes. Observed: 1 variant allele.
Comment: TANC2: BP4, BS2

Ambry Genetics
Classification: Likely benign for Inborn genetic diseases. Last evaluated: 2021-03-31. Review status: criteria provided, single submitter. Criteria: Ambry Variant Classification Scheme 2023. Collection method: clinical testing. Allele origin: germline.